The following is an entry in ClinVar:

NM_000180.4(GUCY2D):c.2407G>A (p.Asp803Asn)

Gene: GUCY2D (guanylate cyclase 2D, retinal; plus strand). Cytogenetic location: 17p13.1.
Variant type: single nucleotide variant.
Coding change: c.2407G>A on transcript NM_000180.4 (MANE Select); coding-DNA position 2407, G replaced by A.
Protein change: p.Asp803Asn; replaces aspartic acid 803 with asparagine.
Molecular consequence: missense variant.
Genome position (GRCh38, 1-based): chr17:8,014,023, G>A. VCF-style: chr17-8014023-G-A. GRCh37 (hg19) VCF-style: chr17-7917341-G-A.
Other names: short protein forms D803N.
Identifiers: ClinVar variation 4268064 (VCV004268064.2).
Genomic context (GRCh38, chr17:8,014,023, plus strand): 5'-CTGATGAAGCAGTGCTGGGCAGAGCAGCCGGAACTTCGGCCCTCCATGGACCACACCTTC[G>A]ACCTGGTCAGGGGCTGGGAGTGGGCAAGGACTGGGCTGGCCTCTGGGATCCCAGATGCTT-3'
Protein context (NP_000171.1, residues 793-813): ELRPSMDHTF[Asp803Asn]LFKNINKGRK

ClinVar aggregate classification (germline): Uncertain significance. Review status: criteria provided, multiple submitters, no conflicts (2 of 4 stars). 2 submissions from 2 submitters: Uncertain significance (2). Last evaluated 2025-09-01.

Conditions:
Inborn genetic diseases. Identifiers: MedGen C0950123, MeSH D030342.
Cone-rod dystrophy 6 (CORD6). Also called: RETINAL CONE DYSTROPHY 2; Cone dystrophy progressive. Identifiers: Orphanet 1872, MedGen C1866293, MONDO:0011143, OMIM 601777.
Leber congenital amaurosis 1 (LCA1). Also called: AMAUROSIS CONGENITA OF LEBER I; RETINAL BLINDNESS, CONGENITAL; Congenital absence of the rods and cones; Leber's congenital tapetoretinal degeneration; Leber's congenital tapetoretinal dysplasia. Identifiers: Orphanet 65, MedGen C2931258, MONDO:0008764, OMIM 204000.

gnomAD v4.1: 17 of 1,612,666 alleles (0.0011%); highest among the groups gnomAD compares: African/African-American, 0.0027%; no homozygotes.

Submissions (2):

Ambry Genetics
Classification: Uncertain significance for Inborn genetic diseases. Last evaluated: 2025-09-01. Review status: criteria provided, single submitter. Criteria: Ambry Variant Classification Scheme 2023. Collection method: clinical testing. Allele origin: germline.

Labcorp Genetics (formerly Invitae), Labcorp
Classification: Uncertain significance for Leber congenital amaurosis 1; Cone-rod dystrophy 6. Last evaluated: 2025-04-13. Review status: criteria provided, single submitter. Criteria: Invitae Variant Classification Sherloc (09022015). Collection method: clinical testing. Allele origin: germline.
Comment: This sequence change replaces aspartic acid, which is acidic and polar, with asparagine, which is neutral and polar, at codon 803 of the GUCY2D protein (p.Asp803Asn). This variant is present in population databases (rs752269926, gnomAD 0.01%). This variant has not been reported in the literature in individuals affected with GUCY2D-related conditions. Invitae Evidence Modeling of protein sequence and biophysical properties (such as structural, functional, and spatial information, amino acid conservation, physicochemical variation, residue mobility, and thermodynamic stability) indicates that this missense variant is not expected to disrupt GUCY2D protein function with a negative predictive value of 80%. In summary, the available evidence is currently insufficient to determine the role of this variant in disease. Therefore, it has been classified as a Variant of Uncertain Significance.